The following is an entry in ClinVar:

NM_201548.5(CERKL):c.69G>A (p.Pro23=)

Gene: CERKL (CERK like autophagy regulator; minus strand). Cytogenetic location: 2q31.3.
Variant type: single nucleotide variant.
Coding change: c.69G>A on transcript NM_201548.5 (MANE Select); coding-DNA position 69, G replaced by A.
Protein change: p.Pro23=; no amino-acid change (proline 23 retained).
Molecular consequence: synonymous variant. On other transcripts: non-coding transcript variant (2).
Genome position (GRCh38, 1-based): chr2:181,656,938, C>T on the plus strand (G>A on the coding strand, the complement: CERKL is on the minus strand). VCF-style: chr2-181656938-C-T. GRCh37 (hg19) VCF-style: chr2-182521665-C-T.
Other names: c.69G>A (NM_001030311.2); c.69G>A, p.Pro23= (NM_001030311.3, NM_001030312.3, NM_001030313.3 and 1 more transcripts).
Identifiers: ClinVar variation 1167593 (VCV001167593.11), dbSNP rs200432563, ClinGen allele CA2010961.
Genomic context (GRCh38, chr2:181,656,938, plus strand): 5'-GGCCGCCGCCTCCGTCTGCTGCGGGGACGTTAACAGCGCCGGAGGCACAGCGGCAGCCTC[C>T]GGGGGCGCCTCTTCCTCCCGGCCGCCCTCCAGGGCACTCACCCGGTTCCTGCGCCTCCTC-3'
Protein context (NP_963842.1, residues 13-33): LEGGREEEAP[Pro23=]EAAAVPPALL

ClinVar aggregate classification (germline): Benign/Likely benign. Review status: criteria provided, multiple submitters, no conflicts (2 of 4 stars). 3 submissions from 3 submitters: Benign (1); Likely benign (2). Last evaluated 2026-08-18.

Conditions:
CERKL-related disorder. Also called: CERKL-related condition.

Allele frequency attached by ClinVar (database versions not stated): gnomAD 0.00002 and 0.00005; gnomAD exomes 0.00003 and 0.00017; TOPMed 0.00006; ExAC 0.00017; 1000 Genomes Project 30x 0.00031; 1000 Genomes Project 0.00040.
gnomAD v4.1: 50 of 1,589,176 alleles (0.0031%); highest among the groups gnomAD compares: East Asian, 0.1%; no homozygotes.

Submissions (3):

PreventionGenetics, part of Exact Sciences
Classification: Likely benign for CERKL-related condition. Last evaluated: 2026-08-18. Review status: criteria provided, single submitter. Criteria: ACMG Guidelines, 2015. Collection method: clinical testing. Allele origin: germline.
Comment: This variant is classified as likely benign based on ACMG/AMP sequence variant interpretation guidelines (Richards et al. 2015 PMID: 25741868, with internal and published modifications).

Labcorp Genetics (formerly Invitae), Labcorp
Classification: Benign. Last evaluated: 2024-12-13. Review status: criteria provided, single submitter. Criteria: Invitae Variant Classification Sherloc (09022015). Collection method: clinical testing. Allele origin: germline.

Blueprint Genetics
Classification: Likely benign. Last evaluated: 2024-07-11. Review status: criteria provided, single submitter. Criteria: ACMG Guidelines, 2015. Collection method: clinical testing. Allele origin: germline.